The following is an entry in ClinVar:

NM_001148.6(ANK2):c.1783-16A>C

Gene: ANK2 (ankyrin 2; plus strand). Cytogenetic location: 4q26.
Variant type: single nucleotide variant.
Coding change: c.1783-16A>C on transcript NM_001148.6 (MANE Select); 16 bases into the intron before coding-DNA position 1783, A replaced by C.
Molecular consequence: intron variant.
Genome position (GRCh38, 1-based): chr4:113,278,444, A>C. VCF-style: chr4-113278444-A-C. GRCh37 (hg19) VCF-style: chr4-114199600-A-C.
Other names: c.1771-16A>C (NM_001386186.2, NM_001386148.2); c.1573-16A>C (NM_001354269.3); c.1747-16A>C (NM_001386187.2); c.1741-16A>C (NM_001386147.1, NM_001386160.1, NM_001354261.2); c.1720-16A>C (NM_001354254.2, NM_001354239.2, NM_001354252.2 and 10 more transcripts); c.1719+509A>C (NM_001354253.2, NM_001354270.2, NM_001354257.2 and 1 more transcripts); c.1696-16A>C (NM_001354249.2, NM_001354266.2, NM_001354276.2 and 10 more transcripts); c.1695+509A>C (NM_001386151.1, NM_001354260.2, NM_001354271.2); and 8 more.
Identifiers: ClinVar variation 513139 (VCV000513139.3), dbSNP rs1554403458, ClinGen allele CA658796460.
Genomic context (GRCh38, chr4:113,278,444, plus strand): 5'-TTTCCAGGCATCCTGGTAGCTTCAGGGCAGCTAACCCTAATTTATTAATGCTGAAACTTA[A>C]ACACACCCTTTACAGAACGGCCTTACCCCGCTCCATGTTGCTGCTCATTATGACAACCAG-3'

ClinVar aggregate classification (germline): Likely benign. Review status: criteria provided, multiple submitters, no conflicts (2 of 4 stars). 2 submissions from 2 submitters: Likely benign (2). Last evaluated 2024-05-09.

Conditions:
Long QT syndrome (LQTS). Identifiers: MedGen C0023976, MeSH D008133, MONDO:0002442. Disease mechanism: loss of function. Inheritance: Various modes of inheritance.

Submissions (2):

Labcorp Genetics (formerly Invitae), Labcorp
Classification: Likely benign for Long QT syndrome. Last evaluated: 2024-05-09. Review status: criteria provided, single submitter. Criteria: Invitae Variant Classification Sherloc (09022015). Collection method: clinical testing. Allele origin: germline.

GeneDx
Classification: Likely benign. Last evaluated: 2017-11-06. Review status: criteria provided, single submitter. Criteria: GeneDx Variant Classification (06012015). Collection method: clinical testing. Allele origin: germline. Affected: yes.
Comment: This variant is considered likely benign or benign based on one or more of the following criteria: it is a conservative change, it occurs at a poorly conserved position in the protein, it is predicted to be benign by multiple in silico algorithms, and/or has population frequency not consistent with disease.